The following is an entry in ClinVar:

ClinVar aggregate classification (germline): Uncertain significance (1 of 4 stars; one submission).

Allele frequency attached by ClinVar (database versions not stated): gnomAD exomes below 0.00001.
gnomAD v4.1: 1 of 1,613,682 alleles (0.000062%); highest among the groups gnomAD compares: South Asian, 0.0011%; no homozygotes.

Submission:

GeneDx
Classification: Uncertain significance. Last evaluated: 2021-04-23. Review status: criteria provided, single submitter. Criteria: GeneDx Variant Classification Process June 2021. Collection method: clinical testing. Allele origin: germline. Affected: yes.
Comment: Not observed at a significant frequency in large population cohorts (Lek et al., 2016); Missense variants in this gene are often considered pathogenic (Stenson et al., 2014); In silico analysis supports that this missense variant does not alter protein structure/function; Has not been previously published as pathogenic or benign to our knowledge; This substitution is predicted to be within the transmembrane segment S3 of the fourth homologous domain

NM_001040142.2(SCN2A):c.4804G>A (p.Val1602Ile)

Gene: SCN2A (sodium voltage-gated channel alpha subunit 2; plus strand). Cytogenetic location: 2q24.3.
Variant type: single nucleotide variant.
Coding change: c.4804G>A on transcript NM_001040142.2 (MANE Select); coding-DNA position 4804, G replaced by A.
Protein change: p.Val1602Ile; replaces valine 1602 with isoleucine.
Molecular consequence: missense variant.
Genome position (GRCh38, 1-based): chr2:165,386,998, G>A. VCF-style: chr2-165386998-G-A. GRCh37 (hg19) VCF-style: chr2-166243508-G-A.
Other names: c.4804G>A, p.Val1602Ile (NM_001040143.2, NM_001371246.1, NM_001371247.1 and 1 more transcripts); short protein forms V1602I.
Identifiers: ClinVar variation 1320877 (VCV001320877.2), dbSNP rs1331552676, ClinGen allele CA349036921.